The following is an entry in ClinVar:

ClinVar aggregate classification (germline): Uncertain significance. Review status: criteria provided, multiple submitters, no conflicts (2 of 4 stars). 2 submissions from 2 submitters: Uncertain significance (2). Last evaluated 2024-02-09.

Conditions:
Gastrointestinal stromal tumor. Also called: Gastrointestinal stromal tumor, somatic; Gastrointestinal stroma tumor. Identifiers: Orphanet 44890, MedGen C0238198, MeSH D046152, MONDO:0011719, OMIM 606764, HP:0100723.
Hereditary cancer-predisposing syndrome. Also called: Neoplastic Syndromes, Hereditary; Tumor predisposition; Hereditary Cancer Syndrome; Hereditary neoplastic syndrome. Identifiers: Orphanet 140162, MedGen C0027672, MeSH D009386, MONDO:0015356.

Submissions (2):

Ambry Genetics
Classification: Uncertain significance for Hereditary cancer-predisposing syndrome. Last evaluated: 2024-02-09. Review status: criteria provided, single submitter. Criteria: Ambry Variant Classification Scheme 2023. Collection method: clinical testing. Allele origin: germline.
Comment: The p.E219D variant (also known as c.657A>C), located in coding exon 4 of the PDGFRA gene, results from an A to C substitution at nucleotide position 657. The glutamic acid at codon 219 is replaced by aspartic acid, an amino acid with highly similar properties. This amino acid position is conserved. In addition, this alteration is predicted to be tolerated by in silico analysis. Based on the available evidence, the clinical significance of this alteration remains unclear.

Labcorp Genetics (formerly Invitae), Labcorp
Classification: Uncertain significance for Gastrointestinal stromal tumor. Last evaluated: 2023-05-18. Review status: criteria provided, single submitter. Criteria: Invitae Variant Classification Sherloc (09022015). Collection method: clinical testing. Allele origin: germline.
Comment: This variant has not been reported in the literature in individuals affected with PDGFRA-related conditions. This variant is not present in population databases (gnomAD no frequency). This sequence change replaces glutamic acid, which is acidic and polar, with aspartic acid, which is acidic and polar, at codon 219 of the PDGFRA protein (p.Glu219Asp). Advanced modeling of protein sequence and biophysical properties (such as structural, functional, and spatial information, amino acid conservation, physicochemical variation, residue mobility, and thermodynamic stability) performed at Invitae indicates that this missense variant is not expected to disrupt PDGFRA protein function. In summary, the available evidence is currently insufficient to determine the role of this variant in disease. Therefore, it has been classified as a Variant of Uncertain Significance.

NM_006206.6(PDGFRA):c.657A>C (p.Glu219Asp)

Gene: PDGFRA (platelet derived growth factor receptor alpha; plus strand). Cytogenetic location: 4q12.
Variant type: single nucleotide variant.
Coding change: c.657A>C on transcript NM_006206.6 (MANE Select); coding-DNA position 657, A replaced by C.
Protein change: p.Glu219Asp; replaces glutamic acid 219 with aspartic acid.
Molecular consequence: missense variant.
Genome position (GRCh38, 1-based): chr4:54,264,947, A>C. VCF-style: chr4-54264947-A-C. GRCh37 (hg19) VCF-style: chr4-55131114-A-C.
Other names: c.657A>C, p.Glu219Asp (NM_001347827.2, NM_001347829.2); c.732A>C, p.Glu244Asp (NM_001347828.2); c.696A>C, p.Glu232Asp (NM_001347830.2); short protein forms E232D, E219D, E244D.
Identifiers: ClinVar variation 2865334 (VCV002865334.4), dbSNP rs1722951842, ClinGen allele CA356890784.